The following is an entry in ClinVar:

NM_017636.4(TRPM4):c.124A>G (p.Thr42Ala)

Gene: TRPM4 (transient receptor potential cation channel subfamily M member 4; plus strand). Cytogenetic location: 19q13.33.
Variant type: single nucleotide variant.
Coding change: c.124A>G on transcript NM_017636.4 (MANE Select); coding-DNA position 124, A replaced by G.
Protein change: p.Thr42Ala; replaces threonine 42 with alanine.
Molecular consequence: missense variant. On other transcripts: 5 prime UTR variant (1), intron variant (2).
Genome position (GRCh38, 1-based): chr19:49,166,072, A>G. VCF-style: chr19-49166072-A-G. GRCh37 (hg19) VCF-style: chr19-49669329-A-G.
Other names: c.124A>G, p.Thr42Ala (NM_001195227.2, NM_001321281.2); c.-1249A>G (NM_001321282.2); c.-74-2188A>G (NM_001321283.2); c.-237-2481A>G (NM_001321285.2); short protein forms T42A.
Identifiers: ClinVar variation 2625631 (VCV002625631.3), dbSNP rs762111515, ClinGen allele CA9568697.
Genomic context (GRCh38, chr19:49,166,072, plus strand): 5'-GGGTTCACGCTCCGCCCTCGCACCCCCAGAGGGACCTTGTGCCAGTGTGGGCGCCCCCGG[A>G]CCGCCCACCCCGCAGTGGCCATGGAGGATGCCTTCGGGGCAGCCGTGGTGACCGTGTGGG-3'
Protein context (NP_060106.2, residues 32-52): GTLCQCGRPR[Thr42Ala]AHPAVAMEDA

ClinVar aggregate classification (germline): Uncertain significance. Review status: criteria provided, multiple submitters, no conflicts (2 of 4 stars). 2 submissions from 2 submitters: Uncertain significance (2). Last evaluated 2025-07-30.

Conditions:
Progressive familial heart block type IB (PFHB1B). Identifiers: Orphanet 871, MedGen C1970298, MONDO:0011474, OMIM 604559.
Cardiovascular phenotype. Identifiers: MedGen CN230736.

Allele frequency attached by ClinVar (database versions not stated): gnomAD exomes below 0.00001; gnomAD 0.00001; TOPMed 0.00001.
gnomAD v4.1: 4 of 1,600,794 alleles (0.00025%); highest among the groups gnomAD compares: African/African-American, 0.0013%; no homozygotes.

Submissions (2):

Labcorp Genetics (formerly Invitae), Labcorp
Classification: Uncertain significance for Progressive familial heart block type IB. Last evaluated: 2025-07-30. Review status: criteria provided, single submitter. Criteria: Invitae Variant Classification Sherloc (09022015). Collection method: clinical testing. Allele origin: germline.
Comment: This sequence change replaces threonine, which is neutral and polar, with alanine, which is neutral and non-polar, at codon 42 of the TRPM4 protein (p.Thr42Ala). This variant is not present in population databases (gnomAD no frequency). This variant has not been reported in the literature in individuals affected with TRPM4-related conditions. ClinVar contains an entry for this variant (Variation ID: 2625631). An algorithm developed to predict the effect of missense changes on protein structure and function (PolyPhen-2) suggests that this variant is likely to be tolerated. In summary, the available evidence is currently insufficient to determine the role of this variant in disease. Therefore, it has been classified as a Variant of Uncertain Significance.

Ambry Genetics
Classification: Uncertain significance for Cardiovascular phenotype. Last evaluated: 2023-09-06. Review status: criteria provided, single submitter. Criteria: Ambry Variant Classification Scheme 2023. Collection method: clinical testing. Allele origin: germline.
Comment: The p.T42A variant (also known as c.124A>G), located in coding exon 3 of the TRPM4 gene, results from an A to G substitution at nucleotide position 124. The threonine at codon 42 is replaced by alanine, an amino acid with similar properties. This amino acid position is poorly conserved in available vertebrate species. In addition, this alteration is predicted to be tolerated by in silico analysis. Since supporting evidence is limited at this time, the clinical significance of this alteration remains unclear.